The following is an entry in ClinVar:

NM_152564.5(VPS13B):c.6760C>T (p.Pro2254Ser)

Gene: VPS13B (vacuolar protein sorting 13 homolog B; plus strand). Cytogenetic location: 8q22.2.
Variant type: single nucleotide variant.
Coding change: c.6760C>T on transcript NM_152564.5 (MANE Select); coding-DNA position 6760, C replaced by T.
Protein change: p.Pro2254Ser; replaces proline 2254 with serine.
Molecular consequence: missense variant.
Genome position (GRCh38, 1-based): chr8:99,720,447, C>T. VCF-style: chr8-99720447-C-T. GRCh37 (hg19) VCF-style: chr8-100732675-C-T.
Other names: c.6835C>T, p.Pro2279Ser (NM_017890.5); short protein forms P2254S, P2279S.
Identifiers: ClinVar variation 2032085 (VCV002032085.4), dbSNP rs777259936, ClinGen allele CA4824087.
Genomic context (GRCh38, chr8:99,720,447, plus strand): 5'-CATGAATTACTCAATGGATACCTTAATGAGGAGGGAAATTTTGAAGTACAAGTTTCTGAA[C>T]CAGTGCCTCAAATGTCATCTCCTGTGGAAAAGAATCAGACATTTAAAAGTGAACAAAGTT-3'
Protein context (NP_689777.3, residues 2244-2264): EGNFEVQVSE[Pro2254Ser]VPQMSSPVEK

ClinVar aggregate classification (germline): Uncertain significance (1 of 4 stars; one submission).

Conditions:
Cohen syndrome (COH1). Also called: PEPPER SYNDROME; Cutis verticis gyrata, retinitis pigmentosa, and sensorineural deafness. Identifiers: Orphanet 193, MedGen C0265223, MONDO:0008999, OMIM 216550.

Allele frequency attached by ClinVar (database versions not stated): ExAC 0.00001.

Submission:

Labcorp Genetics (formerly Invitae), Labcorp
Classification: Uncertain significance for Cohen syndrome. Last evaluated: 2025-08-04. Review status: criteria provided, single submitter. Criteria: Invitae Variant Classification Sherloc (09022015). Collection method: clinical testing. Allele origin: germline.
Comment: This sequence change replaces proline, which is neutral and non-polar, with serine, which is neutral and polar, at codon 2279 of the VPS13B protein (p.Pro2279Ser). This variant is present in population databases (rs777259936, gnomAD 0.0009%). This variant has not been reported in the literature in individuals affected with VPS13B-related conditions. ClinVar contains an entry for this variant (Variation ID: 2032085). Invitae Evidence Modeling of protein sequence and biophysical properties (such as structural, functional, and spatial information, amino acid conservation, physicochemical variation, residue mobility, and thermodynamic stability) indicates that this missense variant is not expected to disrupt VPS13B protein function with a negative predictive value of 80%. In summary, the available evidence is currently insufficient to determine the role of this variant in disease. Therefore, it has been classified as a Variant of Uncertain Significance.